The following is an entry in ClinVar:

NM_000891.3(KCNJ2):c.431G>C (p.Gly144Ala)

Gene: KCNJ2 (potassium inwardly rectifying channel subfamily J member 2; plus strand). Cytogenetic location: 17q24.3.
Variant type: single nucleotide variant.
Coding change: c.431G>C on transcript NM_000891.3 (MANE Select); coding-DNA position 431, G replaced by C.
Protein change: p.Gly144Ala; replaces glycine 144 with alanine.
Molecular consequence: missense variant.
Genome position (GRCh38, 1-based): chr17:70,175,470, G>C. VCF-style: chr17-70175470-G-C. GRCh37 (hg19) VCF-style: chr17-68171611-G-C.
Other names: p.Gly144Ala; c.431G>C (LRG_328t1); short protein forms G144A.
Identifiers: ClinVar variation 67575 (VCV000067575.9), dbSNP rs199473377, ClinGen allele CA329672.

ClinVar aggregate classification (germline): Pathogenic. Review status: criteria provided, multiple submitters, no conflicts (2 of 4 stars). 3 submissions from 3 submitters: Pathogenic (2). 1 of the submissions does not count toward it. Last evaluated 2025-07-21.

Conditions:
Familial long QT syndrome (RWS). Also called: Congenital long QT syndrome; Romano-Ward syndrome; VENTRICULAR FIBRILLATION WITH PROLONGED QT INTERVAL. Identifiers: Orphanet 768, MedGen C1141890, MONDO:0019171.
Andersen Tawil syndrome (LQT7). Also called: ANDERSEN CARDIODYSRHYTHMIC PERIODIC PARALYSIS; Andersen Syndrome; Potassium-sensitive periodic paralysis, ventricular ectopy, and dysmorphic features; LONG QT SYNDROME 7; PERIODIC PARALYSIS, POTASSIUM-SENSITIVE CARDIODYSRHYTHMIC TYPE. Identifiers: Orphanet 37553, MedGen C1563715, MONDO:0008222, OMIM 170390.
Short QT syndrome type 3. Identifiers: Orphanet 51083, MedGen C1865018, MONDO:0012314, OMIM 609622.

Submissions (3):

Labcorp Genetics (formerly Invitae), Labcorp
Classification: Pathogenic for Short QT syndrome type 3; Andersen Tawil syndrome. Last evaluated: 2025-07-21. Review status: criteria provided, single submitter. Criteria: Invitae Variant Classification Sherloc (09022015). Collection method: clinical testing. Allele origin: germline.
Comment: This sequence change replaces glycine, which is neutral and non-polar, with alanine, which is neutral and non-polar, at codon 144 of the KCNJ2 protein (p.Gly144Ala). This variant is not present in population databases (gnomAD no frequency). This missense change has been observed in individuals with clinical features of Andersen-Tawil syndrome (PMID: 15911703, 16541386, 30516834). ClinVar contains an entry for this variant (Variation ID: 67575). Invitae Evidence Modeling of protein sequence and biophysical properties (such as structural, functional, and spatial information, amino acid conservation, physicochemical variation, residue mobility, and thermodynamic stability) indicates that this missense variant is expected to disrupt KCNJ2 protein function with a positive predictive value of 95%. Experimental studies have shown that this missense change affects KCNJ2 function (PMID: 16541386). This variant disrupts the p.Gly144 amino acid residue in KCNJ2. Other variant(s) that disrupt this residue have been determined to be pathogenic (PMID: 11371347, 12163457, 12909315, 14522976, 20382953, 22002906, 22589293, 23595086). This suggests that this residue is clinically significant, and that variants that disrupt this residue are likely to be disease-causing. For these reasons, this variant has been classified as Pathogenic.

Mayo Clinic Laboratories, Mayo Clinic
Classification: Pathogenic. Last evaluated: 2023-04-13. Review status: criteria provided, single submitter. Criteria: ACMG Guidelines, 2015. Collection method: clinical testing. Allele origin: germline. Observed: 1 variant allele.
Comment: PP1, PP3, PP4, PM2_supporting, PM5, PS3, PS4_moderate

Cardiovascular Biomedical Research Unit, Royal Brompton & Harefield NHS Foundation Trust
No classification provided. Condition: Familial long QT syndrome. Review status: no classification provided. Collection method: literature only. Allele origin: germline. Not counted in ClinVar's aggregate classification.
Comment: This variant has been reported in the following publications (PMID:15911703;PMID:16541386).

Literature cited by the submitters: PubMed 15911703 (cited by 3 submitters); PubMed 16541386 (cited by 3 submitters); PubMed 30516834 (cited by Labcorp Genetics (formerly Invitae), Labcorp and Mayo Clinic Laboratories, Mayo Clinic); PubMed 11371347 (cited by Labcorp Genetics (formerly Invitae), Labcorp); PubMed 12163457 (cited by Labcorp Genetics (formerly Invitae), Labcorp); PubMed 12909315 (cited by Labcorp Genetics (formerly Invitae), Labcorp); PubMed 14522976 (cited by Labcorp Genetics (formerly Invitae), Labcorp); PubMed 20382953 (cited by Labcorp Genetics (formerly Invitae), Labcorp); PubMed 22002906 (cited by Labcorp Genetics (formerly Invitae), Labcorp); PubMed 22589293 (cited by Labcorp Genetics (formerly Invitae), Labcorp); PubMed 23595086 (cited by Labcorp Genetics (formerly Invitae), Labcorp); PubMed 31669729 (cited by Mayo Clinic Laboratories, Mayo Clinic); PubMed 22581653 (cited by Cardiovascular Biomedical Research Unit, Royal Brompton & Harefield NHS Foundation Trust).